The following is an entry in ClinVar:

ClinVar aggregate classification (germline): Uncertain significance (1 of 4 stars; one submission).

gnomAD v4.1: 263 of 1,609,908 alleles (0.016%); highest among the groups gnomAD compares: Non-Finnish European, 0.02%; no homozygotes.

Submission:

Labcorp Genetics (formerly Invitae), Labcorp
Classification: Uncertain significance. Last evaluated: 2025-12-02. Review status: criteria provided, single submitter. Criteria: Invitae Variant Classification Sherloc (09022015). Collection method: clinical testing. Allele origin: germline.
Comment: This sequence change affects codon 29 of the BUB1 mRNA. It is a 'silent' change, meaning that it does not change the encoded amino acid sequence of the BUB1 protein. It affects a nucleotide within the consensus splice site. This variant is present in population databases (rs755753586, gnomAD 0.03%). This variant has not been reported in the literature in individuals affected with BUB1-related conditions. Algorithms developed to predict the effect of sequence changes on RNA splicing suggest that this variant is not likely to affect RNA splicing. In summary, the available evidence is currently insufficient to determine the role of this variant in disease. Therefore, it has been classified as a Variant of Uncertain Significance.

NM_004336.5(BUB1):c.87A>G (p.Arg29=)

Gene: BUB1 (BUB1 mitotic checkpoint serine/threonine kinase; minus strand). Cytogenetic location: 2q13.
Variant type: single nucleotide variant.
Coding change: c.87A>G on transcript NM_004336.5 (MANE Select); coding-DNA position 87, A replaced by G.
Protein change: p.Arg29=; no amino-acid change (arginine 29 retained).
Molecular consequence: synonymous variant.
Genome position (GRCh38, 1-based): chr2:110,674,224, T>C on the plus strand (A>G on the coding strand, the complement: BUB1 is on the minus strand). VCF-style: chr2-110674224-T-C. GRCh37 (hg19) VCF-style: chr2-111431801-T-C.
Other names: c.27A>G, p.Gln9= (NM_001278616.2); c.87A>G, p.Arg29= (NM_001278617.2).
Identifiers: ClinVar variation 4704915 (VCV004704915.1).